The following is an entry in ClinVar:

NM_001991.5(EZH1):c.431A>G (p.Glu144Gly)

Gene: EZH1 (enhancer of zeste 1 polycomb repressive complex 2 subunit; minus strand). Cytogenetic location: 17q21.2.
Variant type: single nucleotide variant.
Coding change: c.431A>G on transcript NM_001991.5 (MANE Select); coding-DNA position 431, A replaced by G.
Protein change: p.Glu144Gly; replaces glutamic acid 144 with glycine.
Molecular consequence: missense variant.
Genome position (GRCh38, 1-based): chr17:42,722,851, T>C on the plus strand (A>G on the coding strand, the complement: EZH1 is on the minus strand). VCF-style: chr17-42722851-T-C. GRCh37 (hg19) VCF-style: chr17-40874869-T-C.
Other names: c.449A>G, p.Glu150Gly (NM_001321079.2); c.404A>G, p.Glu135Gly (NM_001321081.2); c.311A>G, p.Glu104Gly (NM_001321082.2); short protein forms E144G, E135G, E150G, E104G.
Identifiers: ClinVar variation 5009781 (VCV005009781.1).

ClinVar aggregate classification (germline): Uncertain significance (1 of 4 stars; one submission).

Submission:

GeneDx
Classification: Uncertain significance. Last evaluated: 2026-02-19. Review status: criteria provided, single submitter. Criteria: GeneDx Variant Classification Process June 2021. Collection method: clinical testing. Allele origin: germline.
Comment: Not observed at significant frequency in large population cohorts (gnomAD); In silico analysis suggests that this missense variant does not alter protein structure/function; Has not been previously published as pathogenic or benign to our knowledge